The following is an entry in ClinVar:

NM_006231.4(POLE):c.174G>C (p.Glu58Asp)

Gene: POLE (DNA polymerase epsilon, catalytic subunit; minus strand). Cytogenetic location: 12q24.33.
Variant type: single nucleotide variant.
Coding change: c.174G>C on transcript NM_006231.4 (MANE Select); coding-DNA position 174, G replaced by C.
Protein change: p.Glu58Asp; replaces glutamic acid 58 with aspartic acid.
Molecular consequence: missense variant.
Genome position (GRCh38, 1-based): chr12:132,681,168, C>G on the plus strand (G>C on the coding strand, the complement: POLE is on the minus strand). VCF-style: chr12-132681168-C-G. GRCh37 (hg19) VCF-style: chr12-133257754-C-G.
Other names: short protein forms E58D.
Identifiers: ClinVar variation 2625244 (VCV002625244.5), dbSNP rs2542197221, ClinGen allele CA387369801.

ClinVar aggregate classification (germline): Uncertain significance. Review status: criteria provided, multiple submitters, no conflicts (2 of 4 stars). 2 submissions from 2 submitters: Uncertain significance (2). Last evaluated 2023-08-11.

Conditions:
Hereditary cancer-predisposing syndrome. Also called: Tumor predisposition; Hereditary Cancer Syndrome; Hereditary neoplastic syndrome; Neoplastic Syndromes, Hereditary. Identifiers: Orphanet 140162, MedGen C0027672, MeSH D009386, MONDO:0015356.

Submissions (2):

Ambry Genetics
Classification: Uncertain significance for Hereditary cancer-predisposing syndrome. Last evaluated: 2023-08-11. Review status: criteria provided, single submitter. Criteria: Ambry Variant Classification Scheme 2023. Collection method: clinical testing. Allele origin: germline.
Comment: The p.E58D variant (also known as c.174G>C), located in coding exon 2 of the POLE gene, results from a G to C substitution at nucleotide position 174. The glutamic acid at codon 58 is replaced by aspartic acid, an amino acid with highly similar properties. This amino acid position is conserved. In addition, this alteration is predicted to be tolerated by in silico analysis. Since supporting evidence is limited at this time, the clinical significance of this alteration remains unclear.

Labcorp Genetics (formerly Invitae), Labcorp
Classification: Uncertain significance. Last evaluated: 2023-06-28. Review status: criteria provided, single submitter. Criteria: Invitae Variant Classification Sherloc (09022015). Collection method: clinical testing. Allele origin: germline.
Comment: This variant is not present in population databases (gnomAD no frequency). This variant has not been reported in the literature in individuals affected with POLE-related conditions. Advanced modeling of protein sequence and biophysical properties (such as structural, functional, and spatial information, amino acid conservation, physicochemical variation, residue mobility, and thermodynamic stability) performed at Invitae indicates that this missense variant is not expected to disrupt POLE protein function. RNA analysis performed to evaluate the impact of this missense change on mRNA splicing indicates it does not significantly alter splicing (Invitae). In summary, the available evidence is currently insufficient to determine the role of this variant in disease. Therefore, it has been classified as a Variant of Uncertain Significance. This sequence change replaces glutamic acid, which is acidic and polar, with aspartic acid, which is acidic and polar, at codon 58 of the POLE protein (p.Glu58Asp).